The following is an entry in ClinVar:

ClinVar aggregate classification (germline): Uncertain significance (1 of 4 stars; one submission).

Submission:

Labcorp Genetics (formerly Invitae), Labcorp
Classification: Uncertain significance. Last evaluated: 2021-01-19. Review status: criteria provided, single submitter. Criteria: Invitae Variant Classification Sherloc (09022015). Collection method: clinical testing. Allele origin: germline.
Comment: This sequence change replaces methionine with isoleucine at codon 332 of the CLCN7 protein (p.Met332Ile). The methionine residue is highly conserved and there is a small physicochemical difference between methionine and isoleucine. This variant is not present in population databases (ExAC no frequency). This variant has not been reported in the literature in individuals with CLCN7-related conditions. Advanced modeling of protein sequence and biophysical properties (such as structural, functional, and spatial information, amino acid conservation, physicochemical variation, residue mobility, and thermodynamic stability) performed at Invitae indicates that this missense variant is not expected to disrupt CLCN7 protein function. In summary, the available evidence is currently insufficient to determine the role of this variant in disease. Therefore, it has been classified as a Variant of Uncertain Significance.

NM_001287.6(CLCN7):c.996G>C (p.Met332Ile)

Gene: CLCN7 (chloride voltage-gated channel 7; minus strand). Cytogenetic location: 16p13.3.
Variant type: single nucleotide variant.
Coding change: c.996G>C on transcript NM_001287.6 (MANE Select); coding-DNA position 996, G replaced by C.
Protein change: p.Met332Ile; replaces methionine 332 with isoleucine.
Molecular consequence: missense variant.
Genome position (GRCh38, 1-based): chr16:1,455,236, C>G on the plus strand (G>C on the coding strand, the complement: CLCN7 is on the minus strand). VCF-style: chr16-1455236-C-G. GRCh37 (hg19) VCF-style: chr16-1505237-C-G.
Other names: c.924G>C, p.Met308Ile (NM_001114331.3); short protein forms M332I, M308I.
Identifiers: ClinVar variation 1470053 (VCV001470053.8), dbSNP rs2142378535, ClinGen allele CA394189896.